The following is an entry in ClinVar:

NM_000368.5(TSC1):c.1927A>T (p.Thr643Ser)

Gene: TSC1 (TSC complex subunit 1; minus strand). Cytogenetic location: 9q34.13.
Variant type: single nucleotide variant.
Coding change: c.1927A>T on transcript NM_000368.5 (MANE Select); coding-DNA position 1927, A replaced by T.
Protein change: p.Thr643Ser; replaces threonine 643 with serine.
Molecular consequence: missense variant.
Genome position (GRCh38, 1-based): chr9:132,905,651, T>A on the plus strand (A>T on the coding strand, the complement: TSC1 is on the minus strand). VCF-style: chr9-132905651-T-A. GRCh37 (hg19) VCF-style: chr9-135781038-T-A.
Other names: c.1924A>T, p.Thr642Ser (NM_001162426.2, NM_001406597.1, NM_001406598.1 and 6 more transcripts); c.1774A>T, p.Thr592Ser (NM_001162427.2, NM_001406610.1); c.1564A>T, p.Thr522Ser (NM_001362177.2, NM_001406614.1, NM_001406615.1 and 5 more transcripts); c.1927A>T, p.Thr643Ser (NM_001406592.1, NM_001406593.1, NM_001406594.1 and 7 more transcripts); c.1771A>T, p.Thr591Ser (NM_001406611.1, NM_001406612.1, NM_001406613.1); c.1561A>T, p.Thr521Ser (NM_001406620.1, NM_001406621.1, NM_001406622.1 and 2 more transcripts); c.976A>T, p.Thr326Ser (NM_001406626.1); c.973A>T, p.Thr325Ser (NM_001406627.1, NM_001406628.1); and 1 more; short protein forms T325S, T326S, T591S, T592S, T642S, T643S, T292S, T521S.
Identifiers: ClinVar variation 1782786 (VCV001782786.2), dbSNP rs1485955306, ClinGen allele CA375362634.
Genomic context (GRCh38, chr9:132,905,651, plus strand): 5'-CCTTGCTGTGCGCGTCTGCTCCCTGCTGTATCAGTCTGTCCAGCACTTCCATTGGGGAGG[T>A]AGAGGGCACACCATCTTCCTCTGTGTTTCCTTTTGCTTTCTTTAACAGCTCCTCAGTCTT-3'
Protein context (NP_000359.1, residues 633-653): GNTEEDGVPS[Thr643Ser]SPMEVLDRLI

ClinVar aggregate classification (germline): Uncertain significance (1 of 4 stars; one submission).

Conditions:
Hereditary cancer-predisposing syndrome. Also called: Neoplastic Syndromes, Hereditary; Tumor predisposition; Hereditary Cancer Syndrome; Hereditary neoplastic syndrome. Identifiers: Orphanet 140162, MedGen C0027672, MeSH D009386, MONDO:0015356.

Submission:

Ambry Genetics
Classification: Uncertain significance for Hereditary cancer-predisposing syndrome. Last evaluated: 2020-09-30. Review status: criteria provided, single submitter. Criteria: Ambry Variant Classification Scheme 2023. Collection method: clinical testing. Allele origin: germline.
Comment: The p.T643S variant (also known as c.1927A>T), located in coding exon 13 of the TSC1 gene, results from an A to T substitution at nucleotide position 1927. The threonine at codon 643 is replaced by serine, an amino acid with similar properties. This amino acid position is not well conserved in available vertebrate species. In addition, this alteration is predicted to be tolerated by in silico analysis. Since supporting evidence is limited at this time, the clinical significance of this alteration remains unclear.